The following is an entry in ClinVar:

NM_004168.4(SDHA):c.1222_1225dup (p.Asn409delinsIleTer)

Gene: SDHA (succinate dehydrogenase complex flavoprotein subunit A; plus strand). Cytogenetic location: 5p15.33.
Variant type: Microsatellite.
Coding change: c.1222_1225dup on transcript NM_004168.4 (MANE Select); coding-DNA positions 1222 to 1225, 4 bases duplicated (TATA; older notation c.1222_1225dupTATA).
Protein change: p.Asn409delinsIleTer.
Molecular consequence: nonsense.
Genome position (GRCh38, 1-based): chr5:235,301-235,304, TATA duplicated. VCF-style (leftmost placement, unchanged base first): chr5-235300-T-TTATA. GRCh37 (hg19) VCF-style: chr5-235415-T-TTATA.
Other names: c.1078_1081dup, p.Asn361delinsIleTer (NM_001294332.2); c.1222_1225dup, p.Asn409delinsIleTer (NM_001330758.2).
Identifiers: ClinVar variation 2567097 (VCV002567097.2), dbSNP rs2477364861, ClinGen allele CA2580613502.
Genomic context (GRCh38, chr5:235,300, plus strand): 5'-CATGATCTTCGCTGGCGTGGACGTCACGAAGGAGCCGATCCCTGTCCTCCCCACCGTGCA[T>TTATA]TATAACATGGGCGGCATTCCCACCAACTACAAGGGGCAGGTGATGGTGCTGGCTCCTCCC-3'

ClinVar aggregate classification (germline): Pathogenic (1 of 4 stars; one submission).

Conditions:
Hereditary cancer-predisposing syndrome. Also called: Hereditary neoplastic syndrome; Hereditary Cancer Syndrome; Neoplastic Syndromes, Hereditary; Tumor predisposition. Identifiers: Orphanet 140162, MedGen C0027672, MeSH D009386, MONDO:0015356.

Submission:

Ambry Genetics
Classification: Pathogenic for Hereditary cancer-predisposing syndrome. Last evaluated: 2023-05-19. Review status: criteria provided, single submitter. Criteria: Ambry Variant Classification Scheme 2023. Collection method: clinical testing. Allele origin: germline.
Comment: The c.1222_1225dupTATA pathogenic mutation, located in coding exon 9 of the SDHA gene, results from a duplication of TATA at nucleotide position 1222, causing a translational frameshift with a predicted alternate stop codon (p.N409Ifs*2). This alteration has been observed in at least one individual with a personal and/or family history that is consistent with SDHA-related disease (Ambry internal data). This variant is considered to be rare based on population cohorts in the Genome Aggregation Database (gnomAD). This alteration is expected to result in loss of function by premature protein truncation or nonsense-mediated mRNA decay. As such, this alteration is interpreted as a disease-causing mutation.